The following is an entry in ClinVar:

NM_014804.3(KIAA0753):c.1217C>T (p.Pro406Leu)

Gene: KIAA0753 (KIAA0753; minus strand). Cytogenetic location: 17p13.1.
Variant type: single nucleotide variant.
Coding change: c.1217C>T on transcript NM_014804.3 (MANE Select); coding-DNA position 1217, C replaced by T.
Protein change: p.Pro406Leu; replaces proline 406 with leucine.
Molecular consequence: missense variant. On other transcripts: non-coding transcript variant (3).
Genome position (GRCh38, 1-based): chr17:6,620,886, G>A on the plus strand (C>T on the coding strand, the complement: KIAA0753 is on the minus strand). VCF-style: chr17-6620886-G-A. GRCh37 (hg19) VCF-style: chr17-6524206-G-A.
Other names: c.320C>T, p.Pro107Leu (NM_001351225.2); short protein forms P406L, P107L.
Identifiers: ClinVar variation 2094825 (VCV002094825.4), dbSNP rs2544477390, ClinGen allele CA397412427.

ClinVar aggregate classification (germline): Uncertain significance (1 of 4 stars; one submission).

Allele frequency attached by ClinVar (database versions not stated): gnomAD exomes below 0.00001.
gnomAD v4.1: 2 of 1,614,112 alleles (0.00012%); highest among the groups gnomAD compares: South Asian, 0.0022%; no homozygotes.

Submission:

Labcorp Genetics (formerly Invitae), Labcorp
Classification: Uncertain significance. Last evaluated: 2022-02-08. Review status: criteria provided, single submitter. Criteria: Invitae Variant Classification Sherloc (09022015). Collection method: clinical testing. Allele origin: germline.
Comment: In summary, the available evidence is currently insufficient to determine the role of this variant in disease. Therefore, it has been classified as a Variant of Uncertain Significance. Algorithms developed to predict the effect of missense changes on protein structure and function are either unavailable or do not agree on the potential impact of this missense change (SIFT: "Tolerated"; PolyPhen-2: "Possibly Damaging"; Align-GVGD: "Class C0"). This variant has not been reported in the literature in individuals affected with KIAA0753-related conditions. This variant is not present in population databases (gnomAD no frequency). This sequence change replaces proline, which is neutral and non-polar, with leucine, which is neutral and non-polar, at codon 406 of the KIAA0753 protein (p.Pro406Leu).